The following is an entry in ClinVar:

ClinVar aggregate classification (germline): Likely benign. Review status: criteria provided, single submitter (1 of 4 stars). 2 submissions from 2 submitters: Likely benign (1). 1 of the submissions does not count toward it. Last evaluated 2022-03-29.

Conditions:
Colorectal cancer. Also called: Colorectal cancer, somatic; Malignant Colorectal Neoplasm. Identifiers: MedGen C0346629, MONDO:0005575, OMIM 114500.
Inborn genetic diseases. Identifiers: MedGen C0950123, MeSH D030342.

Allele frequency attached by ClinVar (database versions not stated): TOPMed 0.00006; ESP Exome Variant Server 0.00031.
gnomAD v4.1: 360 of 1,613,924 alleles (0.022%); highest among the groups gnomAD compares: East Asian, 0.036%; no homozygotes.

Submissions (2):

Ambry Genetics
Classification: Likely benign for Inborn genetic diseases. Last evaluated: 2022-03-29. Review status: criteria provided, single submitter. Criteria: Ambry Variant Classification Scheme 2023. Collection method: clinical testing. Allele origin: germline.

CSER _CC_NCGL, University of Washington
Classification: Uncertain significance for Colorectal cancer.. Last evaluated: 2016-08-01. Review status: no assertion criteria provided. Collection method: research. Allele origin: germline. Inheritance: Autosomal dominant inheritance. Study: CSER - NEXT Medicine variant annotation. Not counted in ClinVar's aggregate classification.
Comment: This gene does not have an established association with colon cancer risk.

NM_005215.4(DCC):c.4028G>A (p.Arg1343His)

Gene: DCC (DCC netrin 1 receptor; plus strand). Cytogenetic location: 18q21.2.
Variant type: single nucleotide variant.
Coding change: c.4028G>A on transcript NM_005215.4 (MANE Select); coding-DNA position 4028, G replaced by A.
Protein change: p.Arg1343His; replaces arginine 1343 with histidine.
Molecular consequence: missense variant.
Genome position (GRCh38, 1-based): chr18:53,499,427, G>A. VCF-style: chr18-53499427-G-A. GRCh37 (hg19) VCF-style: chr18-51025797-G-A.
Other names: short protein forms R1343H.
Identifiers: ClinVar variation 375859 (VCV000375859.5), dbSNP rs149118168, ClinGen allele CA8967701.